The following is an entry in ClinVar:

NM_152617.4(RNF168):c.1091C>T (p.Thr364Ile)

Gene: RNF168 (ring finger protein 168; minus strand). Cytogenetic location: 3q29.
Variant type: single nucleotide variant.
Coding change: c.1091C>T on transcript NM_152617.4 (MANE Select); coding-DNA position 1091, C replaced by T.
Protein change: p.Thr364Ile; replaces threonine 364 with isoleucine.
Molecular consequence: missense variant.
Genome position (GRCh38, 1-based): chr3:196,472,444, G>A on the plus strand (C>T on the coding strand, the complement: RNF168 is on the minus strand). VCF-style: chr3-196472444-G-A. GRCh37 (hg19) VCF-style: chr3-196199315-G-A.
Other names: short protein forms T364I.
Identifiers: ClinVar variation 1973370 (VCV001973370.6), dbSNP rs983226027, ClinGen allele CA90839319.

ClinVar aggregate classification (germline): Conflicting classifications of pathogenicity. Review status: criteria provided, conflicting classifications (1 of 4 stars). 2 submissions from 2 submitters: Uncertain significance (1); Likely benign (1). Last evaluated 2024-02-24.

Conditions:
Inborn genetic diseases. Identifiers: MedGen C0950123, MeSH D030342.

Allele frequency attached by ClinVar (database versions not stated): gnomAD exomes below 0.00001; TOPMed 0.00003; gnomAD 0.00004.

Submissions (2):

Labcorp Genetics (formerly Invitae), Labcorp
Classification: Uncertain significance. Last evaluated: 2024-02-24. Review status: criteria provided, single submitter. Criteria: Invitae Variant Classification Sherloc (09022015). Collection method: clinical testing. Allele origin: germline.
Comment: This sequence change replaces threonine, which is neutral and polar, with isoleucine, which is neutral and non-polar, at codon 364 of the RNF168 protein (p.Thr364Ile). This variant is present in population databases (no rsID available, gnomAD 0.01%). This variant has not been reported in the literature in individuals affected with RNF168-related conditions. ClinVar contains an entry for this variant (Variation ID: 1973370). Algorithms developed to predict the effect of missense changes on protein structure and function output the following: SIFT: "Not Available"; PolyPhen-2: "Benign"; Align-GVGD: "Not Available". The isoleucine amino acid residue is found in multiple mammalian species, which suggests that this missense change does not adversely affect protein function. In summary, the available evidence is currently insufficient to determine the role of this variant in disease. Therefore, it has been classified as a Variant of Uncertain Significance.

Ambry Genetics
Classification: Likely benign for Inborn genetic diseases. Last evaluated: 2023-03-02. Review status: criteria provided, single submitter. Criteria: Ambry Variant Classification Scheme 2023. Collection method: clinical testing. Allele origin: germline.